The following is an entry in ClinVar:

NM_004839.4(HOMER2):c.181A>G (p.Ile61Val)

Gene: HOMER2 (homer scaffold protein 2; minus strand). Cytogenetic location: 15q25.2.
Variant type: single nucleotide variant.
Coding change: c.181A>G on transcript NM_004839.4 (MANE Select); coding-DNA position 181, A replaced by G.
Protein change: p.Ile61Val; replaces isoleucine 61 with valine.
Molecular consequence: missense variant.
Genome position (GRCh38, 1-based): chr15:82,875,386, T>C on the plus strand (A>G on the coding strand, the complement: HOMER2 is on the minus strand). VCF-style: chr15-82875386-T-C. GRCh37 (hg19) VCF-style: chr15-83544138-T-C.
Other names: p.Ile61Val; c.181A>G (NM_004839.3); c.181A>G, p.Ile61Val (NM_199330.3); short protein forms I61V.
Identifiers: ClinVar variation 667545 (VCV000667545.21), dbSNP rs201330165, ClinGen allele CA7702246.

ClinVar aggregate classification (germline): Conflicting classifications of pathogenicity. Review status: criteria provided, conflicting classifications (1 of 4 stars). 7 submissions from 7 submitters: Uncertain significance (2); Likely benign (4). 1 of the submissions does not count toward it. Last evaluated 2025-11-11.

Conditions:
Inborn genetic diseases. Identifiers: MedGen C0950123, MeSH D030342.
HOMER2-related disorder. Also called: HOMER2-related condition.

Allele frequency attached by ClinVar (database versions not stated): gnomAD 0.00022 and 0.00024; ExAC 0.00027; TOPMed 0.00027; gnomAD exomes 0.00030 and 0.00033; ESP Exome Variant Server 0.00039.
gnomAD v4.1: 513 of 1,613,904 alleles (0.032%); highest among the groups gnomAD compares: Non-Finnish European, 0.036%; no homozygotes.

Submissions (7):

Labcorp Genetics (formerly Invitae), Labcorp
Classification: Likely benign. Last evaluated: 2025-11-11. Review status: criteria provided, single submitter. Criteria: Invitae Variant Classification Sherloc (09022015). Collection method: clinical testing. Allele origin: germline.

CeGaT Center for Human Genetics Tuebingen
Classification: Likely benign. Last evaluated: 2025-02-01. Review status: criteria provided, single submitter. Criteria: CeGaT Center For Human Genetics Tuebingen Variant Classification Criteria Version 2. Collection method: clinical testing. Allele origin: germline. Affected: yes. Observed: 1 variant allele.
Comment: HOMER2: BS2

Blueprint Genetics
Classification: Likely benign. Last evaluated: 2024-11-22. Review status: criteria provided, single submitter. Criteria: ACMG Guidelines, 2015. Collection method: clinical testing. Allele origin: germline.

Mayo Clinic Laboratories, Mayo Clinic
Classification: Uncertain significance. Last evaluated: 2023-05-12. Review status: criteria provided, single submitter. Criteria: ACMG Guidelines, 2015. Collection method: clinical testing. Allele origin: germline. Observed: 1 variant allele.
Comment: BS1

Ambry Genetics
Classification: Uncertain significance for Inborn genetic diseases. Last evaluated: 2021-06-18. Review status: criteria provided, single submitter. Criteria: Ambry Variant Classification Scheme 2023. Collection method: clinical testing. Allele origin: germline.

GeneDx
Classification: Likely benign. Last evaluated: 2021-02-23. Review status: criteria provided, single submitter. Criteria: GeneDx Variant Classification Process June 2021. Collection method: clinical testing. Allele origin: germline. Affected: yes.
Comment: In silico analysis, which includes protein predictors and evolutionary conservation, supports that this variant does not alter protein structure/function; Has not been previously published as pathogenic or benign to our knowledge

PreventionGenetics, part of Exact Sciences
Classification: Likely benign for HOMER2-related condition. Last evaluated: 2020-03-03. Review status: no assertion criteria provided. Collection method: clinical testing. Allele origin: germline. Not counted in ClinVar's aggregate classification.
Comment: This variant is classified as likely benign based on ACMG/AMP sequence variant interpretation guidelines (Richards et al. 2015 PMID: 25741868, with internal and published modifications).